The following is an entry in ClinVar:

ClinVar aggregate classification (germline): Conflicting classifications of pathogenicity. Review status: criteria provided, conflicting classifications (1 of 4 stars). 7 submissions from 7 submitters: Uncertain significance (3); Likely benign (2). 2 of the submissions do not count toward it. Last evaluated 2026-06-09.

Conditions:
Hereditary breast ovarian cancer syndrome. Also called: Hereditary breast and ovarian cancer syndrome (HBOC); BRCA1- and BRCA2-Associated Hereditary Breast and Ovarian Cancer; Hereditary breast and/or ovarian cancer syndrome; Hereditary breast and ovarian cancer syndrome; Hereditary breast and ovarian cancer; Breast and ovarian cancer. Identifiers: Orphanet 145, MedGen C0677776, MeSH D061325, MONDO:0003582. Disease mechanism: loss of function.
Hereditary cancer-predisposing syndrome. Also called: Neoplastic Syndromes, Hereditary; Hereditary neoplastic syndrome; Tumor predisposition; Hereditary Cancer Syndrome. Identifiers: Orphanet 140162, MedGen C0027672, MeSH D009386, MONDO:0015356.
Breast-ovarian cancer, familial, susceptibility to, 1 (BROVCA1). Also called: BRCA1 Hereditary Breast and Ovarian Cancer; OVARIAN CANCER, SUSCEPTIBILITY TO. Identifiers: Orphanet 145, MedGen C2676676, MONDO:0011450, OMIM 604370. Disease mechanism: loss of function.

Allele frequency attached by ClinVar (database versions not stated): gnomAD exomes below 0.00001; gnomAD 0.00001.
gnomAD v4.1: 3 of 1,613,928 alleles (0.00019%); highest among the groups gnomAD compares: African/African-American, 0.0013%; no homozygotes.

Submissions (7):

Myriad Genetics, Inc.
Classification: Likely benign for Breast-ovarian cancer, familial, susceptibility to, 1. Last evaluated: 2026-06-09. Review status: criteria provided, single submitter. Criteria: Myriad Autosomal Dominant, Autosomal Recessive and X-Linked Classification Criteria (2023). Collection method: clinical testing. Allele origin: unknown.
Comment: This variant is considered likely benign. This variant is strongly associated with less severe personal and family histories of cancer, typical for individuals without pathogenic variants in this gene [PMID: 25085752].

Labcorp Genetics (formerly Invitae), Labcorp
Classification: Uncertain significance for Hereditary breast ovarian cancer syndrome. Last evaluated: 2025-10-21. Review status: criteria provided, single submitter. Criteria: Invitae Variant Classification Sherloc (09022015). Collection method: clinical testing. Allele origin: germline.
Comment: This sequence change replaces valine, which is neutral and non-polar, with alanine, which is neutral and non-polar, at codon 1333 of the BRCA1 protein (p.Val1333Ala). This variant is present in population databases (no rsID available, gnomAD 0.01%). This missense change has been observed in individual(s) with breast cancer (PMID: 26183948). ClinVar contains an entry for this variant (Variation ID: 431258). Invitae Evidence Modeling of protein sequence and biophysical properties (such as structural, functional, and spatial information, amino acid conservation, physicochemical variation, residue mobility, and thermodynamic stability) indicates that this missense variant is not expected to disrupt BRCA1 protein function with a negative predictive value of 80%. In summary, the available evidence is currently insufficient to determine the role of this variant in disease. Therefore, it has been classified as a Variant of Uncertain Significance.

Ambry Genetics
Classification: Uncertain significance for Hereditary cancer-predisposing syndrome. Last evaluated: 2024-11-24. Review status: criteria provided, single submitter. Criteria: Ambry Variant Classification Scheme 2023. Collection method: clinical testing. Allele origin: germline.
Comment: The p.V1333A variant (also known as c.3998T>C), located in coding exon 9 of the BRCA1 gene, results from a T to C substitution at nucleotide position 3998. The valine at codon 1333 is replaced by alanine, an amino acid with similar properties. This amino acid position is not well conserved in available vertebrate species. In addition, the in silico prediction for this alteration is inconclusive. Since supporting evidence is limited at this time, the clinical significance of this alteration remains unclear.

Color Diagnostics, LLC DBA Color Health
Classification: Uncertain significance for Hereditary cancer-predisposing syndrome. Last evaluated: 2024-06-03. Review status: criteria provided, single submitter. Criteria: ACMG Guidelines, 2015. Collection method: clinical testing. Allele origin: germline.
Comment: This missense variant replaces valine with alanine at codon 1333 of the BRCA1 protein. Computational prediction is inconclusive regarding the impact of this variant on protein structure and function. To our knowledge, functional studies have not been reported for this variant. This protein variant has not been reported in an individual affected with breast cancer (PMID: 26183948). This variant has been identified in 1/31388 chromosomes in the general population by the Genome Aggregation Database (gnomAD). The available evidence is insufficient to determine the role of this variant in disease conclusively. Therefore, this variant is classified as a Variant of Uncertain Significance.

University of Washington Department of Laboratory Medicine, University of Washington
Classification: Likely benign for Hereditary cancer-predisposing syndrome. Last evaluated: 2023-03-23. Review status: criteria provided, single submitter. Criteria: Dines et al. (Genet Med. 2020). Collection method: curation. Allele origin: germline.
Comment: Missense variant in a coldspot region where missense variants are very unlikely to be pathogenic (PMID:31911673).

BRCA1 coldspot (exon 11 using historical exon numbering). Reclassification based on statistical prior probability

BRCAlab, Lund University
Classification: Uncertain significance for Breast-ovarian cancer, familial, susceptibility to, 1. Last evaluated: 2020-03-02. Review status: no assertion criteria provided. Collection method: clinical testing. Allele origin: germline. Affected: yes. Not counted in ClinVar's aggregate classification.

Research Molecular Genetics Laboratory, Women's College Hospital, University of Toronto
Classification: Uncertain significance. Last evaluated: 2014-03-06. Review status: no assertion criteria provided. Collection method: research. Allele origin: germline. Affected: yes. Study: The Canadian Open Genetics Repository (COGR). Not counted in ClinVar's aggregate classification.

Literature cited by the submitters: PubMed 25085752 (cited by Myriad Genetics, Inc.); PubMed 26183948 (cited by Labcorp Genetics (formerly Invitae), Labcorp and Color Diagnostics, LLC DBA Color Health).

NM_007294.4(BRCA1):c.3998T>C (p.Val1333Ala)

Genes: BRCA1 (BRCA1 DNA repair associated; minus strand), LOC126862571 (BRD4-independent group 4 enhancer GRCh37_chr17:41243136-41244335; plus strand). Cytogenetic location: 17q21.31.
Variant type: single nucleotide variant.
Coding change: c.3998T>C on transcript NM_007294.4 (MANE Select); coding-DNA position 3998, T replaced by C.
Protein change: p.Val1333Ala; replaces valine 1333 with alanine.
Molecular consequence: missense variant. On other transcripts: intron variant (135).
Genome position (GRCh38, 1-based): chr17:43,091,533, A>G on the plus strand (T>C on the coding strand, the complement: BRCA1 is on the minus strand). VCF-style: chr17-43091533-A-G. GRCh37 (hg19) VCF-style: chr17-41243550-A-G.
Other names: c.3785T>C, p.Val1262Ala (NM_001407571.1, NM_001407853.1, NM_001407894.1 and 9 more transcripts); c.3998T>C, p.Val1333Ala (NM_001407581.1, NM_001407582.1, NM_001407583.1 and 30 more transcripts); c.3995T>C, p.Val1332Ala (NM_001407587.1, NM_001407590.1, NM_001407591.1 and 22 more transcripts); c.3989T>C, p.Val1330Ala (NM_001407646.1, NM_001407647.1); c.3875T>C, p.Val1292Ala (NM_001407648.1, NM_001407664.1, NM_001407665.1 and 19 more transcripts); c.3872T>C, p.Val1291Ala (NM_001407649.1, NM_001407670.1, NM_001407671.1 and 11 more transcripts); c.3920T>C, p.Val1307Ala (NM_001407653.1, NM_001407654.1, NM_001407655.1 and 4 more transcripts); c.3917T>C, p.Val1306Ala (NM_001407659.1, NM_001407660.1, NM_001407661.1 and 1 more transcripts); and 41 more; short protein forms V1333A, V1286A, V1245A, V1266A, V1285A, V1332A, V1037A, V1165A.
Identifiers: ClinVar variation 431258 (VCV000431258.23), dbSNP rs1135401872, ClinGen allele CA10593965.